The following is an entry in ClinVar:

NM_006306.4(SMC1A):c.1125C>G (p.Tyr375Ter)

Gene: SMC1A (structural maintenance of chromosomes 1A; minus strand). Cytogenetic location: Xp11.22.
Variant type: single nucleotide variant.
Coding change: c.1125C>G on transcript NM_006306.4 (MANE Select); coding-DNA position 1125, C replaced by G.
Protein change: p.Tyr375Ter; replaces tyrosine 375 with a stop codon.
Molecular consequence: nonsense.
Genome position (GRCh38, 1-based): chrX:53,411,890, G>C on the plus strand (C>G on the coding strand, the complement: SMC1A is on the minus strand). VCF-style: chrX-53411890-G-C. GRCh37 (hg19) VCF-style: chrX-53438840-G-C.
Other names: c.1059C>G, p.Tyr353Ter (NM_001281463.1); short protein forms Y353*, Y375*.
Identifiers: ClinVar variation 4292102 (VCV004292102.1).

ClinVar aggregate classification (germline): Likely pathogenic (1 of 4 stars; one submission).

Conditions:
Developmental and epileptic encephalopathy, 85, with or without midline brain defects. Also called: EPILEPTIC ENCEPHALOPATHY, EARLY INFANTILE, 85, WITH OR WITHOUT MIDLINE BRAIN DEFECTS. Identifiers: MedGen C5393312, MONDO:0026771, OMIM 301044.

Submission:

3billion
Classification: Likely pathogenic for Developmental and epileptic encephalopathy, 85, with or without midline brain defects. Last evaluated: 2024-06-19. Review status: criteria provided, single submitter. Criteria: ACMG Guidelines, 2015. Collection method: clinical testing. Allele origin: germline. Affected: yes.
Comment: The variant is not observed in the gnomAD v4.0.0 dataset. Predicted Consequence/Location: Stop-gained (nonsense): predicted to result in a loss or disruption of normal protein function through nonsense-mediated decay (NMD) or protein truncation. Multiple pathogenic variants are reported downstream of the variant. Therefore, this variant is classified as Likely pathogenic according to the recommendation of ACMG/AMP guideline.